The following is an entry in ClinVar:

ClinVar aggregate classification (germline): Uncertain significance (1 of 4 stars; one submission).

Conditions:
DICER1-related tumor predisposition. Also called: DICER1-related pleuropulmonary blastoma cancer predisposition syndrome; DICER1 syndrome. Identifiers: Orphanet 284343, MedGen C3839822, MONDO:0100216.

Submission:

Labcorp Genetics (formerly Invitae), Labcorp
Classification: Uncertain significance for DICER1-related tumor predisposition. Last evaluated: 2023-12-01. Review status: criteria provided, single submitter. Criteria: Invitae Variant Classification Sherloc (09022015). Collection method: clinical testing. Allele origin: germline.
Comment: This sequence change replaces glutamic acid, which is acidic and polar, with aspartic acid, which is acidic and polar, at codon 1794 of the DICER1 protein (p.Glu1794Asp). This variant is not present in population databases (gnomAD no frequency). This variant has not been reported in the literature in individuals affected with DICER1-related conditions. An algorithm developed to predict the effect of missense changes on protein structure and function (PolyPhen-2) suggests that this variant is likely to be disruptive. In summary, the available evidence is currently insufficient to determine the role of this variant in disease. Therefore, it has been classified as a Variant of Uncertain Significance.

NM_177438.3(DICER1):c.5382G>T (p.Glu1794Asp)

Gene: DICER1 (dicer 1, ribonuclease III; minus strand). Cytogenetic location: 14q32.13.
Variant type: single nucleotide variant.
Coding change: c.5382G>T on transcript NM_177438.3 (MANE Select); coding-DNA position 5382, G replaced by T.
Protein change: p.Glu1794Asp; replaces glutamic acid 1794 with aspartic acid.
Molecular consequence: missense variant. On other transcripts: non-coding transcript variant (6), intron variant (1).
Genome position (GRCh38, 1-based): chr14:95,091,348, C>A on the plus strand (G>T on the coding strand, the complement: DICER1 is on the minus strand). VCF-style: chr14-95091348-C-A. GRCh37 (hg19) VCF-style: chr14-95557685-C-A.
Other names: c.5382G>T, p.Glu1794Asp (NM_001271282.3, NM_001291628.2, NM_001395677.1 and 8 more transcripts); c.5100G>T, p.Glu1700Asp (NM_001395686.1); c.4977G>T, p.Glu1659Asp (NM_001395687.1, NM_001395688.1, NM_001395689.1 and 1 more transcripts); c.4815G>T, p.Glu1605Asp (NM_001395691.1); c.3699G>T, p.Glu1233Asp (NM_001395697.1); c.5365-239G>T (NM_001195573.1); short protein forms E1700D, E1233D, E1659D, E1794D, E1605D.
Identifiers: ClinVar variation 2700252 (VCV002700252.3), dbSNP rs766285402, ClinGen allele CA390864788.